The following is an entry in ClinVar:

NC_000002.11:g.(?_15330368)_(15330547_?)del

Gene: NBAS (NBAS subunit of NRZ tethering complex; minus strand). Cytogenetic location: 2p24.3.
Variant type: Deletion.
Identifiers: ClinVar variation 3247554 (VCV003247554.1).

ClinVar aggregate classification (germline): Pathogenic (1 of 4 stars; one submission).

Submission:

Labcorp Genetics (formerly Invitae), Labcorp
Classification: Pathogenic. Last evaluated: 2023-11-20. Review status: criteria provided, single submitter. Criteria: Invitae Variant Classification Sherloc (09022015). Collection method: clinical testing. Allele origin: unknown.
Comment: This variant is a gross deletion of the genomic region encompassing exon(s) 49 of the NBAS gene. This deletion is out-of-frame, and is expected to create a premature termination codon and result in an absent or disrupted protein product. Loss-of-function variants in NBAS are known to be pathogenic (PMID: 26073778, 26541327, 27789416, 28031453). This variant has not been reported in the literature in individuals affected with NBAS-related conditions. For these reasons, this variant has been classified as Pathogenic.

Literature cited by the submitters: PubMed 26073778; PubMed 26541327; PubMed 27789416; PubMed 28031453.